The following is an entry in ClinVar:

NM_020738.4(KIDINS220):c.4822C>T (p.Gln1608Ter)

Gene: KIDINS220 (kinase D interacting substrate 220; minus strand). Cytogenetic location: 2p25.1.
Variant type: single nucleotide variant.
Coding change: c.4822C>T on transcript NM_020738.4 (MANE Select); coding-DNA position 4822, C replaced by T.
Protein change: p.Gln1608Ter; replaces glutamine 1608 with a stop codon.
Molecular consequence: nonsense. On other transcripts: intron variant (6).
Genome position (GRCh38, 1-based): chr2:8,731,214, G>A on the plus strand (C>T on the coding strand, the complement: KIDINS220 is on the minus strand). VCF-style: chr2-8731214-G-A. GRCh37 (hg19) VCF-style: chr2-8871344-G-A.
Other names: c.4825C>T, p.Gln1609Ter (NM_001348729.2); c.4768C>T, p.Gln1590Ter (NM_001348731.2); c.4765C>T, p.Gln1589Ter (NM_001348732.2); c.4654C>T, p.Gln1552Ter (NM_001348734.2); c.4651C>T, p.Gln1551Ter (NM_001348735.2); c.4525C>T, p.Gln1509Ter (NM_001348736.2); c.3882+2230C>T (NM_001348741.2, NM_001348742.2, NM_001348743.2); c.3996+2230C>T (NM_001348738.2); and 1 more; short protein forms Q1509*, Q1551*, Q1552*, Q1589*, Q1590*, Q1608*, Q1609*.
Identifiers: ClinVar variation 1710066 (VCV001710066.2), dbSNP rs1446870493, ClinGen allele CA345762748.

ClinVar aggregate classification (germline): Uncertain significance (1 of 4 stars; one submission).

Conditions:
Spastic paraplegia, intellectual disability, nystagmus, and obesity. Also called: Spastic paraplegia, intellectual disability, nystagmus, and obesity;. Identifiers: Orphanet 521390, MedGen C4284592, MONDO:0015007, OMIM 617296.

Allele frequency attached by ClinVar (database versions not stated): gnomAD exomes below 0.00001.
gnomAD v4.1: 4 of 1,614,144 alleles (0.00025%); highest among the groups gnomAD compares: Non-Finnish European, 0.00034%; no homozygotes.

Submission:

MGZ Medical Genetics Center
Classification: Uncertain significance for Spastic paraplegia, intellectual disability, nystagmus, and obesity. Last evaluated: 2021-12-20. Review status: criteria provided, single submitter. Criteria: ACMG Guidelines, 2015. Collection method: clinical testing. Allele origin: germline. Affected: yes. Observed: 2 variant alleles.
Comment: ACMG criteria applied: PVS1_MOD, PM2_SUP, BS2_SUP